The following is an entry in ClinVar:

NM_003105.6(SORL1):c.4752T>A (p.Ala1584=)

Gene: SORL1 (sortilin related receptor 1; plus strand). Cytogenetic location: 11q24.1.
Variant type: single nucleotide variant.
Coding change: c.4752T>A on transcript NM_003105.6 (MANE Select); coding-DNA position 4752, T replaced by A.
Protein change: p.Ala1584=; no amino-acid change (alanine 1584 retained).
Molecular consequence: synonymous variant.
Genome position (GRCh38, 1-based): chr11:121,605,213, T>A. VCF-style: chr11-121605213-T-A. GRCh37 (hg19) VCF-style: chr11-121475922-T-A.
Other names: c.4752T>A (NM_003105.5).
Identifiers: ClinVar variation 1209934 (VCV001209934.13), dbSNP rs3824968, ClinGen allele CA6329731.

ClinVar aggregate classification (germline): Benign. Review status: criteria provided, multiple submitters, no conflicts (2 of 4 stars). 5 submissions from 5 submitters: Benign (2). 3 of the submissions do not count toward it. Last evaluated 2026-02-03.

Conditions:
SORL1-related disorder. Also called: SORL1-related condition.

Allele frequency attached by ClinVar (database versions not stated): gnomAD 0.28786 and 0.30214; 1000 Genomes Project 30x 0.38976; TOPMed 0.29678; gnomAD exomes 0.38949 and 0.33534; 1000 Genomes Project 0.39617; ESP Exome Variant Server 0.25492; ExAC 0.38112.
gnomAD v4.1: 535,983 of 1,612,564 alleles (33%); highest among the groups gnomAD compares: East Asian, 55%; 95,938 homozygotes.

Submissions (5):

Labcorp Genetics (formerly Invitae), Labcorp
Classification: Benign. Last evaluated: 2026-02-03. Review status: criteria provided, single submitter. Criteria: Invitae Variant Classification Sherloc (09022015). Collection method: clinical testing. Allele origin: germline.

Breakthrough Genomics
Classification: Benign. Review status: criteria provided, single submitter. Criteria: ACMG Guidelines, 2015. Collection method: not provided. Allele origin: germline. Inheritance: Unknown mechanism. Affected: yes.

PreventionGenetics, part of Exact Sciences
Classification: Benign for SORL1-related condition. Last evaluated: 2019-10-17. Review status: no assertion criteria provided. Collection method: clinical testing. Allele origin: germline. Not counted in ClinVar's aggregate classification.
Comment: This variant is classified as benign based on ACMG/AMP sequence variant interpretation guidelines (Richards et al. 2015 PMID: 25741868, with internal and published modifications).

Clinical Genetics DNA and cytogenetics Diagnostics Lab, Erasmus MC, Erasmus Medical Center
Classification: Benign. Review status: no assertion criteria provided. Collection method: clinical testing. Allele origin: germline. Affected: yes. Study: VKGL Data-share Consensus. Not counted in ClinVar's aggregate classification.

Genome Diagnostics Laboratory, Amsterdam University Medical Center
Classification: Benign. Review status: no assertion criteria provided. Collection method: clinical testing. Allele origin: germline. Affected: yes. Study: VKGL Data-share Consensus. Not counted in ClinVar's aggregate classification.